The following is an entry in ClinVar:

NM_052859.4(RFT1):c.*2655T>C

Gene: RFT1 (RFT1 glycolipid translocator homolog; minus strand). Cytogenetic location: 3p21.1.
Variant type: single nucleotide variant.
Coding change: c.*2655T>C on transcript NM_052859.4 (MANE Select); 2655 bases downstream of the stop codon, T replaced by C.
Molecular consequence: 3 prime UTR variant.
Genome position (GRCh38, 1-based): chr3:53,089,248, A>G on the plus strand (T>C on the coding strand, the complement: RFT1 is on the minus strand). VCF-style: chr3-53089248-A-G. GRCh37 (hg19) VCF-style: chr3-53123264-A-G.
Identifiers: ClinVar variation 346148 (VCV000346148.6), dbSNP rs148022607, ClinGen allele CA10617006.

ClinVar aggregate classification (germline): Benign. Review status: criteria provided, multiple submitters, no conflicts (2 of 4 stars). 2 submissions from 2 submitters: Benign (2). Last evaluated 2018-01-13.

Conditions:
RFT1-congenital disorder of glycosylation (CDG1N). Also called: Congenital disorder of glycosylation type In; CDG In; RFT1-CDG. Identifiers: Orphanet 244310, MedGen C2677590, MONDO:0012783, OMIM 612015.

Allele frequency attached by ClinVar (database versions not stated): gnomAD 0.00723 and 0.01330; TOPMed 0.01090; gnomAD exomes 0.01103; 1000 Genomes Project 0.05831; 1000 Genomes Project 30x 0.05840.
gnomAD v4.1: 2,003 of 152,542 alleles (1.3%); highest among the groups gnomAD compares: South Asian, 18%; 130 homozygotes.

Submissions (2):

Illumina Laboratory Services, Illumina
Classification: Benign for RFT1-congenital disorder of glycosylation. Last evaluated: 2018-01-13. Review status: criteria provided, single submitter. Criteria: ICSL Variant Classification Criteria 13 December 2019. Collection method: clinical testing. Allele origin: germline.
Comment: This variant was observed in the ICSL laboratory as part of a predisposition screen in an ostensibly healthy population. It had not been previously curated by ICSL or reported in the Human Gene Mutation Database (HGMD: prior to June 1st, 2018), and was therefore a candidate for classification through an automated scoring system. Utilizing variant allele frequency, disease prevalence and penetrance estimates, and inheritance mode, an automated score was calculated to assess if this variant is too frequent to cause the disease. Based on the score and internal cut-off values, a variant classified as benign is not then subjected to further curation. The score for this variant resulted in a classification of benign for this disease.

Breakthrough Genomics
Classification: Benign. Review status: criteria provided, single submitter. Criteria: ACMG Guidelines, 2015. Collection method: not provided. Allele origin: germline. Inheritance: Autosomal recessive inheritance. Affected: yes.